The following is an entry in ClinVar:

NM_032578.4(MYPN):c.1536C>T (p.Cys512=)

Gene: MYPN (myopalladin; plus strand). Cytogenetic location: 10q21.3.
Variant type: single nucleotide variant.
Coding change: c.1536C>T on transcript NM_032578.4 (MANE Select); coding-DNA position 1536, C replaced by T.
Protein change: p.Cys512=; no amino-acid change (cysteine 512 retained).
Molecular consequence: synonymous variant. On other transcripts: non-coding transcript variant (2).
Genome position (GRCh38, 1-based): chr10:68,165,754, C>T. VCF-style: chr10-68165754-C-T. GRCh37 (hg19) VCF-style: chr10-69925511-C-T.
Other names: c.1536C>T, p.Cys512= (NM_001256267.2); c.654C>T, p.Cys218= (NM_001256268.2).
Identifiers: ClinVar variation 227715 (VCV000227715.15), dbSNP rs569718340, ClinGen allele CA5522605.

ClinVar aggregate classification (germline): Likely benign. Review status: criteria provided, multiple submitters, no conflicts (2 of 4 stars). 4 submissions from 4 submitters: Likely benign (4). Last evaluated 2025-12-15.

Conditions:
Dilated cardiomyopathy 1KK (CMD1KK). Identifiers: Orphanet 154, Orphanet 75249, MedGen C3714995, MONDO:0014100, OMIM 615248.
Cardiovascular phenotype. Identifiers: MedGen CN230736.

Allele frequency attached by ClinVar (database versions not stated): gnomAD exomes below 0.00001 and 0.00002; ExAC 0.00002; TOPMed 0.00002; gnomAD 0.00005; 1000 Genomes Project 30x 0.00016; 1000 Genomes Project 0.00020.
gnomAD v4.1: 10 of 1,614,190 alleles (0.00062%); highest among the groups gnomAD compares: African/African-American, 0.013%; no homozygotes.

Submissions (4):

Labcorp Genetics (formerly Invitae), Labcorp
Classification: Likely benign for Dilated cardiomyopathy 1KK. Last evaluated: 2025-12-15. Review status: criteria provided, single submitter. Criteria: Invitae Variant Classification Sherloc (09022015). Collection method: clinical testing. Allele origin: germline.

Ambry Genetics
Classification: Likely benign for Cardiovascular phenotype. Last evaluated: 2021-05-07. Review status: criteria provided, single submitter. Criteria: Ambry Variant Classification Scheme 2023. Collection method: clinical testing. Allele origin: germline.

Blueprint Genetics
Classification: Likely benign. Last evaluated: 2021-01-21. Review status: criteria provided, single submitter. Criteria: ACMG Guidelines, 2015. Collection method: clinical testing. Allele origin: germline.

Laboratory for Molecular Medicine, Mass General Brigham Personalized Medicine
Classification: Likely benign. Last evaluated: 2015-11-09. Review status: criteria provided, single submitter. Criteria: LMM Criteria. Collection method: clinical testing. Allele origin: germline. Observed: 1 variant allele.
Comment: p.Cy512Cys in exon 10 of MYPN: This variant is not expected to have clinical sig nificance because it does not alter an amino acid residue and is not located wit hin the splice consensus sequence. It has been identified in 3/10278 of African chromosomes by the Exome Aggregation Consortium (ExAC; dbSNP rs569718340).